The following is an entry in ClinVar:

NM_020737.3(LRFN2):c.1530C>T (p.Cys510=)

Gene: LRFN2 (leucine rich repeat and fibronectin type III domain containing 2; minus strand). Cytogenetic location: 6p21.2.
Variant type: single nucleotide variant.
Coding change: c.1530C>T on transcript NM_020737.3 (MANE Select); coding-DNA position 1530, C replaced by T.
Protein change: p.Cys510=; no amino-acid change (cysteine 510 retained).
Molecular consequence: synonymous variant.
Genome position (GRCh38, 1-based): chr6:40,392,783, G>A on the plus strand (C>T on the coding strand, the complement: LRFN2 is on the minus strand). VCF-style: chr6-40392783-G-A. GRCh37 (hg19) VCF-style: chr6-40360522-G-A.
Other names: c.1530C>T (NM_020737.1).
Identifiers: ClinVar variation 2656539 (VCV002656539.24), dbSNP rs376037708, ClinGen allele CA3796763.

ClinVar aggregate classification (germline): Likely benign. Review status: criteria provided, multiple submitters, no conflicts (2 of 4 stars). 2 submissions from 2 submitters: Likely benign (2). Last evaluated 2025-12-03.

Allele frequency attached by ClinVar (database versions not stated): gnomAD 0.00004; TOPMed 0.00004; ESP Exome Variant Server 0.00008; gnomAD exomes 0.00016; ExAC 0.00030.
gnomAD v4.1: 230 of 1,613,954 alleles (0.014%); highest among the groups gnomAD compares: South Asian, 0.2%; 3 homozygotes.

Submissions (2):

Ambry Genetics
Classification: Likely benign. Last evaluated: 2025-12-03. Review status: criteria provided, single submitter. Criteria: Ambry Variant Classification Scheme 2023. Collection method: clinical testing. Allele origin: germline.

CeGaT Center for Human Genetics Tuebingen
Classification: Likely benign. Last evaluated: 2022-09-01. Review status: criteria provided, single submitter. Criteria: CeGaT Center For Human Genetics Tuebingen Variant Classification Criteria Version 2. Collection method: clinical testing. Allele origin: germline. Affected: yes. Observed: 1 variant allele.
Comment: LRFN2: BP4, BP7